The following is an entry in ClinVar:

NM_001430.5(EPAS1):c.1971G>C (p.Gln657His)

Gene: EPAS1 (endothelial PAS domain protein 1; plus strand). Cytogenetic location: 2p21.
Variant type: single nucleotide variant.
Coding change: c.1971G>C on transcript NM_001430.5 (MANE Select); coding-DNA position 1971, G replaced by C.
Protein change: p.Gln657His; replaces glutamine 657 with histidine.
Molecular consequence: missense variant.
Genome position (GRCh38, 1-based): chr2:46,380,643, G>C. VCF-style: chr2-46380643-G-C. GRCh37 (hg19) VCF-style: chr2-46607782-G-C.
Other names: short protein forms Q657H.
Identifiers: ClinVar variation 3221589 (VCV003221589.1), dbSNP rs777138430, ClinGen allele CA1645159.

ClinVar aggregate classification (germline): Uncertain significance (1 of 4 stars; one submission).

Conditions:
Inborn genetic diseases. Identifiers: MedGen C0950123, MeSH D030342.

Allele frequency attached by ClinVar (database versions not stated): gnomAD exomes below 0.00001; ExAC 0.00001.
gnomAD v4.1: 1 of 1,614,124 alleles (0.000062%); highest among the groups gnomAD compares: Non-Finnish European, 0.000085%; no homozygotes.

Submission:

Ambry Genetics
Classification: Uncertain significance for Inborn genetic diseases. Last evaluated: 2023-12-14. Review status: criteria provided, single submitter. Criteria: Ambry Variant Classification Scheme 2023. Collection method: clinical testing. Allele origin: germline.
Comment: The p.Q657H variant (also known as c.1971G>C), located in coding exon 12 of the EPAS1 gene, results from a G to C substitution at nucleotide position 1971. The glutamine at codon 657 is replaced by histidine, an amino acid with highly similar properties. This amino acid position is conserved. In addition, this alteration is predicted to be tolerated by in silico analysis. Since supporting evidence is limited at this time, the clinical significance of this alteration remains unclear.